The following is an entry in ClinVar:

NM_004525.3(LRP2):c.13484G>C (p.Gly4495Ala)

Gene: LRP2 (LDL receptor related protein 2; minus strand). Cytogenetic location: 2q31.1.
Variant type: single nucleotide variant.
Coding change: c.13484G>C on transcript NM_004525.3 (MANE Select); coding-DNA position 13484, G replaced by C.
Protein change: p.Gly4495Ala; replaces glycine 4495 with alanine.
Molecular consequence: missense variant.
Genome position (GRCh38, 1-based): chr2:169,138,611, C>G on the plus strand (G>C on the coding strand, the complement: LRP2 is on the minus strand). VCF-style: chr2-169138611-C-G. GRCh37 (hg19) VCF-style: chr2-169995121-C-G.
Other names: short protein forms G4495A.
Identifiers: ClinVar variation 2704030 (VCV002704030.3), dbSNP rs1345269535, ClinGen allele CA349154833.
Genomic context (GRCh38, chr2:169,138,611, plus strand): 5'-AATAATCATTTTGAAACCATACTCACCATTGCCATTGACCTGTCAATAGCAGTCTCAGGT[C>G]CAAAACCAGACACTCCAATATCCATGTTAAGATCTGCCCCTGATCTGAAGGTCACCCCAT-3'
Protein context (NP_004516.2, residues 4485-4505): LNMDIGVSGF[Gly4495Ala]PETAIDRSMA

ClinVar aggregate classification (germline): Uncertain significance (1 of 4 stars; one submission).

Submission:

Labcorp Genetics (formerly Invitae), Labcorp
Classification: Uncertain significance. Last evaluated: 2023-12-19. Review status: criteria provided, single submitter. Criteria: Invitae Variant Classification Sherloc (09022015). Collection method: clinical testing. Allele origin: germline.
Comment: This sequence change replaces glycine, which is neutral and non-polar, with alanine, which is neutral and non-polar, at codon 4495 of the LRP2 protein (p.Gly4495Ala). This variant is not present in population databases (gnomAD no frequency). This variant has not been reported in the literature in individuals affected with LRP2-related conditions. Advanced modeling of protein sequence and biophysical properties (such as structural, functional, and spatial information, amino acid conservation, physicochemical variation, residue mobility, and thermodynamic stability) performed at Invitae indicates that this missense variant is not expected to disrupt LRP2 protein function with a negative predictive value of 95%. In summary, the available evidence is currently insufficient to determine the role of this variant in disease. Therefore, it has been classified as a Variant of Uncertain Significance.